The following is an entry in ClinVar:

NM_006950.3(SYN1):c.1655del (p.Pro552fs)

Gene: SYN1 (synapsin I; minus strand). Cytogenetic location: Xp11.3.
Variant type: Deletion.
Coding change: c.1655del on transcript NM_006950.3 (MANE Select); coding-DNA position 1655, one base deleted (C; older notation c.1655delC).
Protein change: p.Pro552fs; shifts the reading frame from proline 552.
Molecular consequence: frameshift variant.
Genome position (GRCh38, 1-based): chrX:47,574,329, G deleted on the plus strand (C on the coding strand, the reverse complement: SYN1 is on the minus strand); the first of 2 consecutive G bases (chrX:47,574,329-47,574,330); deleting either gives the same sequence. VCF-style (leftmost placement, unchanged base first): chrX-47574328-CG-C. GRCh37 (hg19) VCF-style: chrX-47433727-CG-C.
Other names: c.1655del, p.Pro552fs (NM_133499.2); short protein forms P552fs.
Identifiers: ClinVar variation 2714242 (VCV002714242.3), dbSNP rs2519684825, ClinGen allele CA2697553085.

ClinVar aggregate classification (germline): Pathogenic (1 of 4 stars; one submission).

Conditions:
Epilepsy, X-linked 1, with variable learning disabilities and behavior disorders. Also called: X-linked epilepsy-learning disabilities-behavior disorders syndrome. Identifiers: Orphanet 85294, MedGen C5774177, MONDO:0010339, OMIM 300491.

Submission:

Labcorp Genetics (formerly Invitae), Labcorp
Classification: Pathogenic for Epilepsy, X-linked 1, with variable learning disabilities and behavior disorders. Last evaluated: 2023-10-03. Review status: criteria provided, single submitter. Criteria: Invitae Variant Classification Sherloc (09022015). Collection method: clinical testing. Allele origin: germline.
Comment: This sequence change results in a frameshift in the SYN1 gene (p.Pro552Argfs*142). While this is not anticipated to result in nonsense mediated decay, it is expected to disrupt the last 118 amino acid(s) of the SYN1 protein and extend the protein by 23 additional amino acid residues. The frequency data for this variant in the population databases is considered unreliable, as metrics indicate insufficient coverage at this position in the gnomAD database. This variant has not been reported in the literature in individuals affected with SYN1-related conditions. This variant disrupts a region of the SYN1 protein in which other variant(s) (p.Pro664Ser) have been determined to be pathogenic (Invitae). This suggests that this is a clinically significant region of the protein, and that variants that disrupt it are likely to be disease-causing. For these reasons, this variant has been classified as Pathogenic.